The following is an entry in ClinVar:

NM_014822.4(SEC24D):c.626C>T (p.Pro209Leu)

Gene: SEC24D (SEC24 homolog D, COPII component; minus strand). Cytogenetic location: 4q26.
Variant type: single nucleotide variant.
Coding change: c.626C>T on transcript NM_014822.4 (MANE Select); coding-DNA position 626, C replaced by T.
Protein change: p.Pro209Leu; replaces proline 209 with leucine.
Molecular consequence: missense variant.
Genome position (GRCh38, 1-based): chr4:118,815,498, G>A on the plus strand (C>T on the coding strand, the complement: SEC24D is on the minus strand). VCF-style: chr4-118815498-G-A. GRCh37 (hg19) VCF-style: chr4-119736653-G-A.
Other names: c.626C>T, p.Pro209Leu (NM_001318066.2); short protein forms P209L.
Identifiers: ClinVar variation 1915062 (VCV001915062.5), dbSNP rs752497338, ClinGen allele CA3057498.

ClinVar aggregate classification (germline): Uncertain significance (1 of 4 stars; one submission).

Allele frequency attached by ClinVar (database versions not stated): TOPMed below 0.00001; ExAC 0.00001; gnomAD 0.00002.

Submission:

Labcorp Genetics (formerly Invitae), Labcorp
Classification: Uncertain significance. Last evaluated: 2022-08-06. Review status: criteria provided, single submitter. Criteria: Invitae Variant Classification Sherloc (09022015). Collection method: clinical testing. Allele origin: germline.
Comment: In summary, the available evidence is currently insufficient to determine the role of this variant in disease. Therefore, it has been classified as a Variant of Uncertain Significance. Algorithms developed to predict the effect of missense changes on protein structure and function output the following: SIFT: "Not Available"; PolyPhen-2: "Benign"; Align-GVGD: "Not Available". The leucine amino acid residue is found in multiple mammalian species, which suggests that this missense change does not adversely affect protein function. This variant has not been reported in the literature in individuals affected with SEC24D-related conditions. This variant is present in population databases (rs752497338, gnomAD 0.004%). This sequence change replaces proline, which is neutral and non-polar, with leucine, which is neutral and non-polar, at codon 209 of the SEC24D protein (p.Pro209Leu).